The following is an entry in ClinVar:

NM_000219.6(KCNE1):c.86G>C (p.Gly29Ala)

Gene: KCNE1 (potassium voltage-gated channel subfamily E regulatory subunit 1; minus strand). Cytogenetic location: 21q22.12.
Variant type: single nucleotide variant.
Coding change: c.86G>C on transcript NM_000219.6 (MANE Select); coding-DNA position 86, G replaced by C.
Protein change: p.Gly29Ala; replaces glycine 29 with alanine.
Molecular consequence: missense variant.
Genome position (GRCh38, 1-based): chr21:34,449,549, C>G on the plus strand (G>C on the coding strand, the complement: KCNE1 is on the minus strand). VCF-style: chr21-34449549-C-G. GRCh37 (hg19) VCF-style: chr21-35821847-C-G.
Other names: c.86G>C, p.Gly29Ala (NM_001127668.4, NM_001127669.4, NM_001127670.4 and 4 more transcripts); short protein forms G29A.
Identifiers: ClinVar variation 3374008 (VCV003374008.2).

Conditions:
Long QT syndrome 5 (LQT5). Identifiers: Orphanet 101016, Orphanet 768, MedGen C1867904, MONDO:0013372, OMIM 613695.

Submission:

Roden Lab, Vanderbilt University Medical Center
No classification provided (evidence only). Condition: Long QT syndrome 5. Review status: no classification provided. Collection method: in vitro. Allele origin: not applicable. Functional consequence: Effect on ion channel function.
ClinVar note: "not provided" was previously submitted as the classification for the variant. However, the classification appeared to be based only on an observation of functional data so it was converted to no classification on 2025-07-30.